The following is an entry in ClinVar:

NM_152269.5(MTRFR):c.256C>G (p.His86Asp)

Gene: MTRFR (mitochondrial translation release factor in rescue; plus strand). Cytogenetic location: 12q24.31.
Variant type: single nucleotide variant.
Coding change: c.256C>G on transcript NM_152269.5 (MANE Select); coding-DNA position 256, C replaced by G.
Protein change: p.His86Asp; replaces histidine 86 with aspartic acid.
Molecular consequence: missense variant.
Genome position (GRCh38, 1-based): chr12:123,253,930, C>G. VCF-style: chr12-123253930-C-G. GRCh37 (hg19) VCF-style: chr12-123738477-C-G.
Other names: c.256C>G, p.His86Asp (NM_001143905.2, NM_001194995.1); short protein forms H86D.
Identifiers: ClinVar variation 2135700 (VCV002135700.4), dbSNP rs2547598192, ClinGen allele CA387118832.
Genomic context (GRCh38, chr12:123,253,930, plus strand): 5'-AAAGGACACGGTCCAGGGGGCCAGGCAACCAACAAAACCAGCAACTGCGTGGTGCTGAAG[C>G]ACATCCCCTCAGGCATCGTTGTAAAGGTAGATCACAGAAGGCCGCTGAGGGGAGAGGCCC-3'
Protein context (NP_689482.1, residues 76-96): NKTSNCVVLK[His86Asp]IPSGIVVKCH

ClinVar aggregate classification (germline): Uncertain significance (1 of 4 stars; one submission).

Conditions:
Combined oxidative phosphorylation defect type 7. Identifiers: Orphanet 254930, MedGen C3150801, MONDO:0013306, OMIM 613559.
Spastic paraplegia. Identifiers: MedGen C0037772, HP:0001258.

Submission:

Labcorp Genetics (formerly Invitae), Labcorp
Classification: Uncertain significance for Combined oxidative phosphorylation defect type 7; Spastic paraplegia. Last evaluated: 2022-10-13. Review status: criteria provided, single submitter. Criteria: Invitae Variant Classification Sherloc (09022015). Collection method: clinical testing. Allele origin: germline.
Comment: This sequence change replaces histidine, which is basic and polar, with aspartic acid, which is acidic and polar, at codon 86 of the C12orf65 protein (p.His86Asp). This variant is not present in population databases (gnomAD no frequency). This variant has not been reported in the literature in individuals affected with C12orf65-related conditions. Algorithms developed to predict the effect of missense changes on protein structure and function (SIFT, PolyPhen-2, Align-GVGD) all suggest that this variant is likely to be disruptive. In summary, the available evidence is currently insufficient to determine the role of this variant in disease. Therefore, it has been classified as a Variant of Uncertain Significance.